The following is an entry in ClinVar:

ClinVar aggregate classification (germline): Uncertain significance (1 of 4 stars; one submission).

Conditions:
CHARGE syndrome (CHARGE). Also called: Hittner Hirsch Kreh syndrome; CHARGE ASSOCIATION--COLOBOMA, HEART ANOMALY, CHOANAL ATRESIA, RETARDATION, GENITAL AND EAR ANOMALIES; Coloboma, heart anomaly, choanal atresia, retardation, genital and ear anomalies; CHARGE association; Hall-Hittner syndrome. Identifiers: Orphanet 138, MedGen C0265354, MONDO:0008965.

Submission:

Labcorp Genetics (formerly Invitae), Labcorp
Classification: Uncertain significance for CHARGE syndrome. Last evaluated: 2024-05-21. Review status: criteria provided, single submitter. Criteria: Invitae Variant Classification Sherloc (09022015). Collection method: clinical testing. Allele origin: germline.
Comment: This sequence change replaces threonine, which is neutral and polar, with alanine, which is neutral and non-polar, at codon 455 of the SEMA3E protein (p.Thr455Ala). This variant is not present in population databases (gnomAD no frequency). This variant has not been reported in the literature in individuals affected with SEMA3E-related conditions. Advanced modeling of protein sequence and biophysical properties (such as structural, functional, and spatial information, amino acid conservation, physicochemical variation, residue mobility, and thermodynamic stability) performed at Invitae indicates that this missense variant is expected to disrupt SEMA3E protein function with a positive predictive value of 80%. In summary, the available evidence is currently insufficient to determine the role of this variant in disease. Therefore, it has been classified as a Variant of Uncertain Significance.

NM_012431.3(SEMA3E):c.1363A>G (p.Thr455Ala)

Gene: SEMA3E (semaphorin 3E; minus strand). Cytogenetic location: 7q21.11.
Variant type: single nucleotide variant.
Coding change: c.1363A>G on transcript NM_012431.3 (MANE Select); coding-DNA position 1363, A replaced by G.
Protein change: p.Thr455Ala; replaces threonine 455 with alanine.
Molecular consequence: missense variant.
Genome position (GRCh38, 1-based): chr7:83,400,031, T>C on the plus strand (A>G on the coding strand, the complement: SEMA3E is on the minus strand). VCF-style: chr7-83400031-T-C. GRCh37 (hg19) VCF-style: chr7-83029347-T-C.
Other names: c.1183A>G, p.Thr395Ala (NM_001178129.2); short protein forms T395A, T455A.
Identifiers: ClinVar variation 3654129 (VCV003654129.2).